The following is an entry in ClinVar:

ClinVar aggregate classification (germline): Uncertain significance (1 of 4 stars; one submission).

Conditions:
Renal cell carcinoma. Identifiers: Orphanet 217071, MedGen C0007134, MeSH D002292, MONDO:0005086, HP:0005584.

Allele frequency attached by ClinVar (database versions not stated): gnomAD 0.00001.

Submission:

Labcorp Genetics (formerly Invitae), Labcorp
Classification: Uncertain significance for Renal cell carcinoma. Last evaluated: 2024-05-13. Review status: criteria provided, single submitter. Criteria: Invitae Variant Classification Sherloc (09022015). Collection method: clinical testing. Allele origin: germline.
Comment: This sequence change falls in intron 20 of the MET gene. It does not directly change the encoded amino acid sequence of the MET protein. It affects a nucleotide within the consensus splice site. This variant is not present in population databases (gnomAD no frequency). This variant has not been reported in the literature in individuals affected with MET-related conditions. ClinVar contains an entry for this variant (Variation ID: 948981). Variants that disrupt the consensus splice site are a relatively common cause of aberrant splicing (PMID: 17576681, 9536098). Algorithms developed to predict the effect of sequence changes on RNA splicing suggest that this variant is not likely to affect RNA splicing. In summary, the available evidence is currently insufficient to determine the role of this variant in disease. Therefore, it has been classified as a Variant of Uncertain Significance.

Literature cited by the submitters: PubMed 17576681; PubMed 9536098.

NM_000245.4(MET):c.3935+6T>C

Gene: MET (MET proto-oncogene, receptor tyrosine kinase; plus strand). Cytogenetic location: 7q31.2.
Variant type: single nucleotide variant.
Coding change: c.3935+6T>C on transcript NM_000245.4 (MANE Select); 6 bases into the intron after coding-DNA position 3935, T replaced by C.
Molecular consequence: intron variant.
Genome position (GRCh38, 1-based): chr7:116,795,797, T>C. VCF-style: chr7-116795797-T-C. GRCh37 (hg19) VCF-style: chr7-116435851-T-C.
Other names: c.3989+6T>C (NM_001127500.3); c.2645+6T>C (NM_001324402.2).
Identifiers: ClinVar variation 948981 (VCV000948981.9), dbSNP rs1301383613, ClinGen allele CA1106261606.